The following is an entry in ClinVar:

ClinVar aggregate classification (germline): Uncertain significance. Review status: criteria provided, multiple submitters, no conflicts (2 of 4 stars). 3 submissions from 3 submitters: Uncertain significance (2). 1 of the submissions does not count toward it. Last evaluated 2024-03-21.

Conditions:
Colorectal cancer, hereditary nonpolyposis, type 7. Identifiers: Orphanet 144, MedGen C1858380, MONDO:0013725, OMIM 614385.
Colorectal cancer. Also called: Malignant Colorectal Neoplasm; Colorectal cancer, somatic. Identifiers: MedGen C0346629, MONDO:0005575, OMIM 114500.
Endometrial carcinoma. Also called: Endometrial carcinoma, somatic. Identifiers: MedGen C0476089, MONDO:0002447, OMIM 608089, HP:0012114.

Allele frequency attached by ClinVar (database versions not stated): TOPMed below 0.00001; gnomAD 0.00001; gnomAD exomes 0.00001.
gnomAD v4.1: 10 of 1,611,498 alleles (0.00062%); highest among the groups gnomAD compares: Non-Finnish European, 0.00085%; no homozygotes.

Submissions (3):

Fulgent Genetics
Classification: Uncertain significance for Colorectal cancer; Endometrial carcinoma; Colorectal cancer, hereditary nonpolyposis, type 7. Last evaluated: 2024-03-21. Review status: criteria provided, single submitter. Criteria: ACMG Guidelines, 2015. Collection method: clinical testing. Allele origin: germline.

Labcorp Genetics (formerly Invitae), Labcorp
Classification: Uncertain significance for Colorectal cancer, hereditary nonpolyposis, type 7. Last evaluated: 2021-06-29. Review status: criteria provided, single submitter. Criteria: Invitae Variant Classification Sherloc (09022015). Collection method: clinical testing. Allele origin: germline.
Comment: In summary, the available evidence is currently insufficient to determine the role of this variant in disease. Therefore, it has been classified as a Variant of Uncertain Significance. Algorithms developed to predict the effect of sequence changes on RNA splicing suggest that this variant may disrupt the consensus splice site. ClinVar contains an entry for this variant (Variation ID: 545612). This variant has not been reported in the literature in individuals affected with MLH3-related conditions. This variant is not present in population databases (ExAC no frequency). This sequence change affects a donor splice site in intron 6 of the MLH3 gene. It is expected to disrupt RNA splicing. Variants that disrupt the donor or acceptor splice site typically lead to a loss of protein function (PMID: 16199547), however the current clinical and genetic evidence is not sufficient to establish whether loss-of-function variants in MLH3 cause disease.

Mayo Clinic Laboratories, Mayo Clinic
Classification: Likely pathogenic. Last evaluated: 2017-12-05. Review status: no assertion criteria provided. Collection method: clinical testing. Allele origin: unknown. Not counted in ClinVar's aggregate classification.

Literature cited by the submitters: PubMed 16199547 (cited by Labcorp Genetics (formerly Invitae), Labcorp).

NM_001040108.2(MLH3):c.3643+2T>C

Gene: MLH3 (mutL homolog 3; minus strand). Cytogenetic location: 14q24.3.
Variant type: single nucleotide variant.
Coding change: c.3643+2T>C on transcript NM_001040108.2 (MANE Select); the canonical splice donor site of the intron after coding-DNA position 3643, T replaced by C.
Molecular consequence: splice donor variant.
Genome position (GRCh38, 1-based): chr14:75,038,338, A>G on the plus strand (T>C on the coding strand, the complement: MLH3 is on the minus strand). VCF-style: chr14-75038338-A-G. GRCh37 (hg19) VCF-style: chr14-75505041-A-G.
Other names: c.3643+2T>C (NM_014381.3).
Identifiers: ClinVar variation 545612 (VCV000545612.11), dbSNP rs1555343301, ClinGen allele CA390426725.